The following is an entry in ClinVar:

NM_032122.5(DTNBP1):c.211A>G (p.Ser71Gly)

Gene: DTNBP1 (dystrobrevin binding protein 1; minus strand). Cytogenetic location: 6p22.3.
Variant type: single nucleotide variant.
Coding change: c.211A>G on transcript NM_032122.5 (MANE Select); coding-DNA position 211, A replaced by G.
Protein change: p.Ser71Gly; replaces serine 71 with glycine.
Molecular consequence: missense variant. On other transcripts: 5 prime UTR variant (1), non-coding transcript variant (1).
Genome position (GRCh38, 1-based): chr6:15,637,755, T>C on the plus strand (A>G on the coding strand, the complement: DTNBP1 is on the minus strand). VCF-style: chr6-15637755-T-C. GRCh37 (hg19) VCF-style: chr6-15637986-T-C.
Other names: c.-33A>G (NM_001271667.2); c.160A>G, p.Ser54Gly (NM_001271668.2); c.106A>G, p.Ser36Gly (NM_001271669.2); c.211A>G, p.Ser71Gly (NM_183040.2); short protein forms S36G, S71G, S54G.
Identifiers: ClinVar variation 1415756 (VCV001415756.6), dbSNP rs2113768964, ClinGen allele CA362869536.
Genomic context (GRCh38, chr6:15,637,755, plus strand): 5'-ACTGAAAAAGGAAAGTTTGCCACGAGTATAAGATTAGTCAATTCTTTACCTCTCCAGCAC[T>C]TGCACAGTCTTTGGCTCTTCTGTGAAGTGCAGCCCATGTATCCTCATACCTAAAAAAAAG-3'
Protein context (NP_115498.2, residues 61-81): ALHRRAKDCA[Ser71Gly]AGELVDSEVV

ClinVar aggregate classification (germline): Uncertain significance (1 of 4 stars; one submission).

Allele frequency attached by ClinVar (database versions not stated): gnomAD exomes below 0.00001.
gnomAD v4.1: 4 of 1,613,918 alleles (0.00025%); highest among the groups gnomAD compares: Non-Finnish European, 0.00034%; no homozygotes.

Submission:

Labcorp Genetics (formerly Invitae), Labcorp
Classification: Uncertain significance. Last evaluated: 2024-10-16. Review status: criteria provided, single submitter. Criteria: Invitae Variant Classification Sherloc (09022015). Collection method: clinical testing. Allele origin: germline.
Comment: This sequence change replaces serine, which is neutral and polar, with glycine, which is neutral and non-polar, at codon 71 of the DTNBP1 protein (p.Ser71Gly). This variant is not present in population databases (gnomAD no frequency). This variant has not been reported in the literature in individuals affected with DTNBP1-related conditions. ClinVar contains an entry for this variant (Variation ID: 1415756). Invitae Evidence Modeling of protein sequence and biophysical properties (such as structural, functional, and spatial information, amino acid conservation, physicochemical variation, residue mobility, and thermodynamic stability) indicates that this missense variant is not expected to disrupt DTNBP1 protein function with a negative predictive value of 80%. In summary, the available evidence is currently insufficient to determine the role of this variant in disease. Therefore, it has been classified as a Variant of Uncertain Significance.